The following is an entry in ClinVar:

NM_177550.5(SLC13A5):c.1372G>A (p.Val458Met)

Gene: SLC13A5 (solute carrier family 13 member 5; minus strand). Cytogenetic location: 17p13.1.
Variant type: single nucleotide variant.
Coding change: c.1372G>A on transcript NM_177550.5 (MANE Select); coding-DNA position 1372, G replaced by A.
Protein change: p.Val458Met; replaces valine 458 with methionine.
Molecular consequence: missense variant.
Genome position (GRCh38, 1-based): chr17:6,690,844, C>T on the plus strand (G>A on the coding strand, the complement: SLC13A5 is on the minus strand). VCF-style: chr17-6690844-C-T. GRCh37 (hg19) VCF-style: chr17-6594163-C-T.
Other names: c.1372G>A (NM_177550.3); c.1372G>A, p.Val458Met (NM_001143838.3); c.1321G>A, p.Val441Met (NM_001284509.2); c.1243G>A, p.Val415Met (NM_001284510.2); short protein forms V458M, V441M, V415M.
Identifiers: ClinVar variation 380207 (VCV000380207.49), dbSNP rs372801738, ClinGen allele CA8331403.

ClinVar aggregate classification (germline): Conflicting classifications of pathogenicity. Review status: criteria provided, conflicting classifications (1 of 4 stars). 5 submissions from 5 submitters: Uncertain significance (4); Likely benign (1). Last evaluated 2025-04-13.

Conditions:
Inborn genetic diseases. Identifiers: MedGen C0950123, MeSH D030342.
Developmental and epileptic encephalopathy, 25 (DEE25). Also called: Developmental and epileptic encephalopathy 25, with amelogenesis imperfecta; Epileptic encephalopathy, early infantile, 25, with amelogenesis imperfecta; Epileptic encephalopathy, early infantile, 25. Identifiers: Orphanet 442835, MedGen C4014621, MONDO:0014392, OMIM 615905.

Allele frequency attached by ClinVar (database versions not stated): gnomAD exomes 0.00011 and 0.00014; ExAC 0.00012; TOPMed 0.00013; ESP Exome Variant Server 0.00015; gnomAD 0.00017 and 0.00020.
gnomAD v4.1: 187 of 1,614,244 alleles (0.012%); highest among the groups gnomAD compares: Middle Eastern, 0.082%; no homozygotes.

Submissions (5):

Ambry Genetics
Classification: Uncertain significance for Inborn genetic diseases. Last evaluated: 2025-04-13. Review status: criteria provided, single submitter. Criteria: Ambry Variant Classification Scheme 2023. Collection method: clinical testing. Allele origin: germline.

CeGaT Center for Human Genetics Tuebingen
Classification: Likely benign. Last evaluated: 2022-09-01. Review status: criteria provided, single submitter. Criteria: CeGaT Center For Human Genetics Tuebingen Variant Classification Criteria Version 2. Collection method: clinical testing. Allele origin: germline. Affected: yes. Observed: 2 variant alleles.
Comment: SLC13A5: BP4, BP5

Labcorp Genetics (formerly Invitae), Labcorp
Classification: Uncertain significance for Developmental and epileptic encephalopathy, 25. Last evaluated: 2022-08-09. Review status: criteria provided, single submitter. Criteria: Invitae Variant Classification Sherloc (09022015). Collection method: clinical testing. Allele origin: germline.
Comment: This sequence change replaces valine, which is neutral and non-polar, with methionine, which is neutral and non-polar, at codon 458 of the SLC13A5 protein (p.Val458Met). This variant is present in population databases (rs372801738, gnomAD 0.03%). This variant has not been reported in the literature in individuals affected with SLC13A5-related conditions. ClinVar contains an entry for this variant (Variation ID: 380207). Algorithms developed to predict the effect of missense changes on protein structure and function output the following: SIFT: "Tolerated"; PolyPhen-2: "Benign"; Align-GVGD: "Class C0". The methionine amino acid residue is found in multiple mammalian species, which suggests that this missense change does not adversely affect protein function. In summary, the available evidence is currently insufficient to determine the role of this variant in disease. Therefore, it has been classified as a Variant of Uncertain Significance.

Genome-Nilou Lab
Classification: Uncertain significance for Developmental and epileptic encephalopathy, 25. Last evaluated: 2021-07-15. Review status: criteria provided, single submitter. Criteria: ACMG Guidelines, 2015. Collection method: clinical testing. Allele origin: germline. Affected: no.

GeneDx
Classification: Uncertain significance. Last evaluated: 2019-08-05. Review status: criteria provided, single submitter. Criteria: GeneDx Variant Classification Process June 2021. Collection method: clinical testing. Allele origin: germline. Affected: yes.
Comment: In silico analysis, which includes protein predictors and evolutionary conservation, supports that this variant does not alter protein structure/function; Has not been previously published as pathogenic or benign to our knowledge